The following is an entry in ClinVar:

ClinVar aggregate classification (germline): Uncertain significance (1 of 4 stars; one submission).

Conditions:
Inborn genetic diseases. Identifiers: MedGen C0950123, MeSH D030342.

Submission:

Ambry Genetics
Classification: Uncertain significance for Inborn genetic diseases. Last evaluated: 2026-06-16. Review status: criteria provided, single submitter. Criteria: Ambry Variant Classification Scheme 2023. Collection method: clinical testing. Allele origin: germline.
Comment: The p.K273N variant (also known as c.819G>T), located in coding exon 1 of the CEBPA gene, results from a G to T substitution at nucleotide position 819. The lysine at codon 273 is replaced by asparagine, an amino acid with similar properties. This amino acid position is conserved. In addition, this alteration is predicted to be tolerated by in silico analysis. Based on the available evidence, the clinical significance of this variant remains unclear.

NM_004364.5(CEBPA):c.819G>T (p.Lys273Asn)

Gene: CEBPA (CCAAT enhancer binding protein alpha; minus strand). Cytogenetic location: 19q13.11.
Variant type: single nucleotide variant.
Coding change: c.819G>T on transcript NM_004364.5 (MANE Select); coding-DNA position 819, G replaced by T.
Protein change: p.Lys273Asn; replaces lysine 273 with asparagine.
Molecular consequence: missense variant.
Genome position (GRCh38, 1-based): chr19:33,301,596, C>A on the plus strand (G>T on the coding strand, the complement: CEBPA is on the minus strand). VCF-style: chr19-33301596-C-A. GRCh37 (hg19) VCF-style: chr19-33792502-C-A.
Other names: c.462G>T, p.Lys154Asn (NM_001285829.2); c.924G>T, p.Lys308Asn (NM_001287424.2); c.777G>T, p.Lys259Asn (NM_001287435.2); short protein forms K259N, K273N, K154N, K308N.
Identifiers: ClinVar variation 5034258 (VCV005034258.1).